The following is an entry in ClinVar:

NM_000426.4(LAMA2):c.716G>C (p.Arg239Pro)

Gene: LAMA2 (laminin subunit alpha 2; plus strand). Cytogenetic location: 6q22.33.
Variant type: single nucleotide variant.
Coding change: c.716G>C on transcript NM_000426.4 (MANE Select); coding-DNA position 716, G replaced by C.
Protein change: p.Arg239Pro; replaces arginine 239 with proline.
Molecular consequence: missense variant.
Genome position (GRCh38, 1-based): chr6:129,143,977, G>C. VCF-style: chr6-129143977-G-C. GRCh37 (hg19) VCF-style: chr6-129465122-G-C.
Other names: c.716G>C, p.Arg239Pro (NM_001079823.2); short protein forms R239P.
Identifiers: ClinVar variation 1715800 (VCV001715800.7), dbSNP rs776777494, ClinGen allele CA365606027.

ClinVar aggregate classification (germline): Uncertain significance. Review status: criteria provided, multiple submitters, no conflicts (2 of 4 stars). 2 submissions from 2 submitters: Uncertain significance (2). Last evaluated 2024-11-25.

Conditions:
LAMA2-related muscular dystrophy (LAMA2-RD). Also called: Laminin alpha 2-related dystrophy. Identifiers: MedGen C5679788, MONDO:0100228.
Merosin deficient congenital muscular dystrophy (MDC1A). Also called: Congenital merosin-deficient muscular dystrophy 1A; Congenital Muscular Dystrophy Type 1A (MDC1A). Identifiers: Orphanet 258, MedGen C1263858, MONDO:0011925, OMIM 607855.

Submissions (2):

3billion
Classification: Uncertain significance for Merosin deficient congenital muscular dystrophy. Last evaluated: 2024-11-25. Review status: criteria provided, single submitter. Criteria: ACMG Guidelines, 2015. Collection method: clinical testing. Allele origin: germline. Affected: yes.
Comment: The variant is not observed in the gnomAD v4.1.0 dataset. Predicted Consequence/Location: Missense variant. The majority of the known disease-causing variants of this gene are variants expected to result in premature termination of the protein. In silico tool predictions suggest damaging effect of the variant on gene or gene product [REVEL: 0.85 (>=0.6, sensitivity 0.68 and specificity 0.92)]. The variant has been reported as of uncertain significance (ClinVar ID: VCV001715800). Different missense changes at the same codon have been reported as of uncertain significance (ClinVar ID: VCV000224092, VCV000641637). Therefore, this variant is classified as VUS according to the recommendation of ACMG/AMP guideline.

Labcorp Genetics (formerly Invitae), Labcorp
Classification: Uncertain significance for LAMA2-related muscular dystrophy. Last evaluated: 2022-08-09. Review status: criteria provided, single submitter. Criteria: Invitae Variant Classification Sherloc (09022015). Collection method: clinical testing. Allele origin: germline.
Comment: This sequence change replaces arginine, which is basic and polar, with proline, which is neutral and non-polar, at codon 239 of the LAMA2 protein (p.Arg239Pro). In summary, the available evidence is currently insufficient to determine the role of this variant in disease. Therefore, it has been classified as a Variant of Uncertain Significance. Algorithms developed to predict the effect of missense changes on protein structure and function are either unavailable or do not agree on the potential impact of this missense change (SIFT: "Deleterious"; PolyPhen-2: "Probably Damaging"; Align-GVGD: "Class C0"). This variant has not been reported in the literature in individuals affected with LAMA2-related conditions. This variant is not present in population databases (gnomAD no frequency).